The following is an entry in ClinVar:

NC_000017.10:g.(?_41196353)_(41249326_?)del

Gene: BRCA1 (BRCA1 DNA repair associated; minus strand). Cytogenetic location: 17q21.31.
Variant type: Deletion.
Identifiers: ClinVar variation 1460091 (VCV001460091.7).

ClinVar aggregate classification (germline): Pathogenic (1 of 4 stars; one submission).

Conditions:
Hereditary breast ovarian cancer syndrome. Also called: Hereditary breast and ovarian cancer; Breast and ovarian cancer; BRCA1- and BRCA2-Associated Hereditary Breast and Ovarian Cancer; Hereditary breast and/or ovarian cancer syndrome; Hereditary breast and ovarian cancer syndrome; Hereditary breast and ovarian cancer syndrome (HBOC). Identifiers: Orphanet 145, MedGen C0677776, MeSH D061325, MONDO:0003582. Disease mechanism: loss of function.

Submission:

Labcorp Genetics (formerly Invitae), Labcorp
Classification: Pathogenic for Hereditary breast ovarian cancer syndrome. Last evaluated: 2023-08-03. Review status: criteria provided, single submitter. Criteria: Invitae Variant Classification Sherloc (09022015). Collection method: clinical testing. Allele origin: germline.
Comment: For these reasons, this variant has been classified as Pathogenic. The region of the BRCA1 gene that includes exon(s) 20-23 (also known as deletion of exons 21-24) has been determined to be clinically significant (PMID: 16551709, 17688236, 20232141, 22544547; Invitae). Therefore, deletions that encompass that region are likely to be disease-causing. This variant has not been reported in the literature in individuals affected with BRCA1-related conditions. This variant is a gross deletion of the genomic region encompassing exon(s) 8-23 of the BRCA1 gene, which includes the termination codon. This deletion extends beyond the assayed region for this gene and therefore may encompass additional genes. While this deletion is not anticipated to lead to nonsense mediated decay, it is expected to alter mRNA translation or result in a truncated protein product.

Literature cited by the submitters: PubMed 16551709; PubMed 17688236; PubMed 20232141; PubMed 22544547.